The following is an entry in ClinVar:

NM_002317.7(LOX):c.262C>A (p.Arg88Ser)

Genes: LOX (lysyl oxidase; minus strand), SRFBP1 (serum response factor binding protein 1; plus strand). Cytogenetic location: 5q23.1.
Variant type: single nucleotide variant.
Coding change: c.262C>A on transcript NM_002317.7 (MANE Select); coding-DNA position 262, C replaced by A.
Protein change: p.Arg88Ser; replaces arginine 88 with serine.
Molecular consequence: missense variant.
Genome position (GRCh38, 1-based): chr5:122,077,724, G>T on the plus strand (C>A on the coding strand, the complement: LOX is on the minus strand). VCF-style: chr5-122077724-G-T. GRCh37 (hg19) VCF-style: chr5-121413419-G-T.
Other names: c.262C>A (NM_002317.5); short protein forms R88S.
Identifiers: ClinVar variation 2428718 (VCV002428718.4), dbSNP rs997637411, ClinGen allele CA125917435.
Genomic context (GRCh38, chr5:122,077,724, plus strand): 5'-CGGCCGTCCGCGTTCGCGCCGCGGCGGTGCGGTTGTCGCGGATCAGCAGGATCGGAGTGC[G>T]GGGCTGCTGGGCGGAGGCGTTGGCTGCACCAGGGACGGCGGCGCCCGGGTCCCGGCGGCG-3'
Protein context (NP_002308.2, residues 78-98): GAANASAQQP[Arg88Ser]TPILLIRDNR

ClinVar aggregate classification (germline): Uncertain significance. Review status: criteria provided, multiple submitters, no conflicts (2 of 4 stars). 2 submissions from 2 submitters: Uncertain significance (2). Last evaluated 2024-06-09.

Conditions:
Aortic aneurysm, familial thoracic 10 (AAT10). Identifiers: MedGen C4284414, MONDO:0014950, OMIM 617168.
Cardiovascular phenotype. Identifiers: MedGen CN230736.

Allele frequency attached by ClinVar (database versions not stated): TOPMed below 0.00001.
gnomAD v4.1: 5 of 1,580,990 alleles (0.00032%); highest among the groups gnomAD compares: Admixed American, 0.0018%; no homozygotes.

Submissions (2):

Ambry Genetics
Classification: Uncertain significance for Cardiovascular phenotype. Last evaluated: 2024-06-09. Review status: criteria provided, single submitter. Criteria: Ambry Variant Classification Scheme 2023. Collection method: clinical testing. Allele origin: germline.
Comment: The p.R88S variant (also known as c.262C>A), located in coding exon 1 of the LOX gene, results from a C to A substitution at nucleotide position 262. The arginine at codon 88 is replaced by serine, an amino acid with dissimilar properties. This amino acid position is conserved. In addition, this alteration is predicted to be tolerated by in silico analysis. Based on the available evidence, the clinical significance of this variant remains unclear.

ARUP Laboratories, Molecular Genetics and Genomics, ARUP Laboratories
Classification: Uncertain significance for Aortic aneurysm, familial thoracic 10. Last evaluated: 2022-03-10. Review status: criteria provided, single submitter. Criteria: ARUP Molecular Germline Variant Investigation Process 2021. Collection method: clinical testing. Allele origin: germline.
Comment: The LOX c.262C>A; p.Arg88Ser variant (rs997637411), to our knowledge, is not reported in the medical literature or gene specific databases. This variant is only observed on two chromosomes in the Genome Aggregation Database (2/182430 alleles), indicating it is not a common polymorphism. The arginine at codon 88 is weakly conserved, and computational analyses predict that this variant is neutral (REVEL: 0.09). However, due to limited information, the clinical significance of the p.Arg88Ser variant is uncertain at this time.